The following is an entry in ClinVar:

NM_153704.6(TMEM67):c.2208T>C (p.Ser736=)

Gene: TMEM67 (transmembrane protein 67; plus strand). Cytogenetic location: 8q22.1.
Variant type: single nucleotide variant.
Coding change: c.2208T>C on transcript NM_153704.6 (MANE Select); coding-DNA position 2208, T replaced by C.
Protein change: p.Ser736=; no amino-acid change (serine 736 retained).
Molecular consequence: synonymous variant. On other transcripts: non-coding transcript variant (1).
Genome position (GRCh38, 1-based): chr8:93,799,725, T>C. VCF-style: chr8-93799725-T-C. GRCh37 (hg19) VCF-style: chr8-94811953-T-C.
Other names: c.2208T>C (NM_153704.5); c.1965T>C, p.Ser655= (NM_001142301.1).
Identifiers: ClinVar variation 1607507 (VCV001607507.9), dbSNP rs1436606444, ClinGen allele CA461866360.
Genomic context (GRCh38, chr8:93,799,725, plus strand): 5'-TTCTAGAAACCCACCTAGCTACATAGCTCCTTATAGCTGCATTTTGAGATATGCAGTGTC[T>C]GCTGCTCTTTGGCTAGCCATTGGAATTATACAGGTAAGGAATTATACAGGTAATATTACT-3'
Protein context (NP_714915.3, residues 726-746): PYSCILRYAV[Ser736=]AALWLAIGII

ClinVar aggregate classification (germline): Likely benign. Review status: criteria provided, multiple submitters, no conflicts (2 of 4 stars). 2 submissions from 2 submitters: Likely benign (2). Last evaluated 2025-08-14.

Conditions:
Joubert syndrome. Also called: JOUBERT-BOLTSHAUSER SYNDROME; Familial aplasia of the vermis. Identifiers: Orphanet 475, MedGen C5979921, MONDO:0018772.
Meckel-Gruber syndrome. Also called: GRUBER SYNDROME; DYSENCEPHALIA SPLANCHNOCYSTICA; Dysencephalia splachnocystica. Identifiers: Orphanet 564, MedGen C0265215, MONDO:0018921.
TMEM67-related disorder. Also called: TMEM67-related disorders; TMEM67-related condition. Identifiers: MedGen CN239423.

Allele frequency attached by ClinVar (database versions not stated): gnomAD exomes 0.00001; TOPMed 0.00002; gnomAD 0.00003.
gnomAD v4.1: 13 of 1,613,794 alleles (0.00081%); highest among the groups gnomAD compares: Non-Finnish European, 0.001%; no homozygotes.

Submissions (2):

PreventionGenetics, part of Exact Sciences
Classification: Likely benign for TMEM67-related condition. Last evaluated: 2025-08-14. Review status: criteria provided, single submitter. Criteria: ACMG Guidelines, 2015. Collection method: clinical testing. Allele origin: germline.
Comment: This variant is classified as likely benign based on ACMG/AMP sequence variant interpretation guidelines (Richards et al. 2015 PMID: 25741868, with internal and published modifications).

Labcorp Genetics (formerly Invitae), Labcorp
Classification: Likely benign for Joubert syndrome; Meckel-Gruber syndrome. Last evaluated: 2023-12-02. Review status: criteria provided, single submitter. Criteria: Invitae Variant Classification Sherloc (09022015). Collection method: clinical testing. Allele origin: germline.